The following is an entry in ClinVar:

ClinVar aggregate classification (germline): Likely pathogenic (1 of 4 stars; one submission).

Conditions:
Lynch syndrome 4 (LYNCH4). Also called: Hereditary non-polyposis colorectal cancer, type 4; Colorectal cancer, hereditary nonpolyposis, type 4. Identifiers: Orphanet 144, MedGen C1838333, MONDO:0013699, OMIM 614337. Disease mechanism: loss of function.

Allele frequency attached by ClinVar (database versions not stated): ExAC 0.00004.

Submission:

Myriad Genetics, Inc.
Classification: Likely pathogenic for Lynch syndrome 4. Last evaluated: 2023-09-25. Review status: criteria provided, single submitter. Criteria: Myriad Autosomal Dominant, Autosomal Recessive and X-Linked Classification Criteria (2023). Collection method: clinical testing. Allele origin: unknown.
Comment: This variant is considered likely pathogenic. This variant creates a frameshift predicted to result in premature protein truncation.

NM_000535.7(PMS2):c.2529del (p.His845fs)

Gene: PMS2 (PMS1 homolog 2, mismatch repair system component; minus strand). Cytogenetic location: 7p22.1.
Variant type: Deletion.
Coding change: c.2529del on transcript NM_000535.7 (MANE Select); coding-DNA position 2529, one base deleted (T; older notation c.2529delT).
Protein change: p.His845fs; shifts the reading frame from histidine 845.
Molecular consequence: frameshift variant. On other transcripts: non-coding transcript variant (1).
Genome position (GRCh38, 1-based): chr7:5,973,459, A deleted on the plus strand (T on the coding strand, the reverse complement: PMS2 is on the minus strand). VCF-style (leftmost placement, unchanged base first): chr7-5973458-GA-G. GRCh37 (hg19) VCF-style: chr7-6013089-GA-G.
Other names: c.2124delT, p.His710Metfs (NM_001018040.1); c.2124del, p.His710fs (NM_001322003.2, NM_001322004.2, NM_001322005.2 and 11 more transcripts); c.2373del, p.His793fs (NM_001322006.2); c.2211del, p.His739fs (NM_001322007.2, NM_001322008.2, NM_001406883.1); c.2157del, p.His721fs (NM_001322009.2, NM_001406887.1, NM_001406888.1); c.1968del, p.His658fs (NM_001322010.2, NM_001406906.1, NM_001406907.1); c.1596del, p.His534fs (NM_001322011.2, NM_001322012.2); c.1956del, p.His654fs (NM_001322013.2, NM_001406908.1, NM_001406909.1); and 21 more; short protein forms H444fs, H534fs, H588fs, H606fs, H654fs, H658fs, H674fs, H683fs.
Identifiers: ClinVar variation 2674203 (VCV002674203.1), dbSNP rs754573279, ClinGen allele CA048823.